The following is an entry in ClinVar:

NM_004329.3(BMPR1A):c.1461G>A (p.Trp487Ter)

Gene: BMPR1A (bone morphogenetic protein receptor type 1A; plus strand). Cytogenetic location: 10q23.2.
Variant type: single nucleotide variant.
Coding change: c.1461G>A on transcript NM_004329.3 (MANE Select); coding-DNA position 1461, G replaced by A.
Protein change: p.Trp487Ter; replaces tryptophan 487 with a stop codon.
Molecular consequence: nonsense.
Genome position (GRCh38, 1-based): chr10:86,923,494, G>A. VCF-style: chr10-86923494-G-A. GRCh37 (hg19) VCF-style: chr10-88683251-G-A.
Other names: c.1461G>A (NM_004329.2); short protein forms W487*.
Identifiers: ClinVar variation 1457449 (VCV001457449.7), dbSNP rs2133622305, ClinGen allele CA377463191.

ClinVar aggregate classification (germline): Pathogenic. Review status: criteria provided, multiple submitters, no conflicts (2 of 4 stars). 2 submissions from 2 submitters: Pathogenic (2). Last evaluated 2024-04-03.

Conditions:
Juvenile polyposis syndrome (JPS). Identifiers: Orphanet 2929, MedGen C0345893, MONDO:0017380, OMIM 174900.
Hereditary cancer-predisposing syndrome. Also called: Hereditary Cancer Syndrome; Hereditary neoplastic syndrome; Tumor predisposition; Neoplastic Syndromes, Hereditary. Identifiers: Orphanet 140162, MedGen C0027672, MeSH D009386, MONDO:0015356.

Submissions (2):

Ambry Genetics
Classification: Pathogenic for Hereditary cancer-predisposing syndrome. Last evaluated: 2024-04-03. Review status: criteria provided, single submitter. Criteria: Ambry Variant Classification Scheme 2023. Collection method: clinical testing. Allele origin: germline.
Comment: The p.W487* pathogenic mutation (also known as c.1461G>A), located in coding exon 10 of the BMPR1A gene, results from a G to A substitution at nucleotide position 1461. This changes the amino acid from a tryptophan to a stop codon within coding exon 10. This alteration occurs at the 3' terminus of theBMPR1A gene, is not expected to trigger nonsense-mediated mRNA decay, and only impacts the last 46 amino acids of the protein. However, premature stop codons are typically deleterious in nature, the impacted region is critical for protein function, and a significant portion of the protein is affected (Ambry internal data). This variant is considered to be rare based on population cohorts in the Genome Aggregation Database (gnomAD). Based on the supporting evidence, this alteration is interpreted as a disease-causing mutation.

Labcorp Genetics (formerly Invitae), Labcorp
Classification: Pathogenic for Juvenile polyposis syndrome. Last evaluated: 2021-11-02. Review status: criteria provided, single submitter. Criteria: Invitae Variant Classification Sherloc (09022015). Collection method: clinical testing. Allele origin: germline.
Comment: This sequence change creates a premature translational stop signal (p.Trp487*) in the BMPR1A gene. While this is not anticipated to result in nonsense mediated decay, it is expected to disrupt the last 46 amino acid(s) of the BMPR1A protein. This variant is not present in population databases (gnomAD no frequency). This variant has not been reported in the literature in individuals affected with BMPR1A-related conditions. This variant disrupts a region of the BMPR1A protein in which other variant(s) (p.Trp504*) have been determined to be pathogenic (Invitae). This suggests that this is a clinically significant region of the protein, and that variants that disrupt it are likely to be disease-causing. For these reasons, this variant has been classified as Pathogenic.